The following is an entry in ClinVar:

ClinVar aggregate classification (germline): Pathogenic/Likely pathogenic. Review status: criteria provided, multiple submitters, no conflicts (2 of 4 stars). 2 submissions from 2 submitters: Pathogenic (1); Likely pathogenic (1). Last evaluated 2023-02-17.

Conditions:
Intellectual disability, X-linked 102 (MRXSSB). Also called: Intellectual developmental disorder, X-linked syndromic, Snijders Blok type. Identifiers: Orphanet 457260, MedGen C5393299, MONDO:0010497, OMIM 300958.

Submissions (2):

GeneDx
Classification: Pathogenic. Last evaluated: 2023-02-17. Review status: criteria provided, single submitter. Criteria: GeneDx Variant Classification Process June 2021. Collection method: clinical testing. Allele origin: germline. Affected: yes.
Comment: Not observed at significant frequency in large population cohorts (gnomAD); In silico analysis supports that this missense variant has a deleterious effect on protein structure/function; This variant is associated with the following publications: (PMID: 30349862)

Juno Genomics, Hangzhou Juno Genomics, Inc
Classification: Likely pathogenic for Intellectual disability, X-linked 102. Review status: criteria provided, single submitter. Criteria: ACMG Guidelines, 2015. Collection method: clinical testing. Allele origin: germline. Affected: yes.
Comment: Absent from controls (or at extremely low frequency if recessive) in Genome Aggregation Database, Exome Sequencing Project, 1000 Genomes Project, or Exome Aggregation Consortium.;Multiple lines of computational evidence support a deleterious effect on the gene or gene product (conservation, evolutionary, splicing impact, etc).;The prevalence of the variant in affected individuals is significantly increased compared to the prevalence in controls.;De novo (both maternity and paternity confirmed) in a patient with the disease and no family history.;Patient's phenotype or family history is highly specific for a disease with a single genetic etiology.

NM_001356.5(DDX3X):c.971C>G (p.Pro324Arg)

Gene: DDX3X (DEAD-box helicase 3 X-linked; plus strand). Cytogenetic location: Xp11.4.
Variant type: single nucleotide variant.
Coding change: c.971C>G on transcript NM_001356.5 (MANE Select); coding-DNA position 971, C replaced by G.
Protein change: p.Pro324Arg; replaces proline 324 with arginine.
Molecular consequence: missense variant. On other transcripts: non-coding transcript variant (1).
Genome position (GRCh38, 1-based): chrX:41,344,345, C>G. VCF-style: chrX-41344345-C-G. GRCh37 (hg19) VCF-style: chrX-41203598-C-G.
Other names: c.971C>G, p.Pro324Arg (NM_001193416.3); c.923C>G, p.Pro308Arg (NM_001193417.3); c.413C>G, p.Pro138Arg (NM_001363819.1); short protein forms P138R, P308R, P324R.
Identifiers: ClinVar variation 2430630 (VCV002430630.2), dbSNP rs2519515362, ClinGen allele CA412771076.